The following is an entry in ClinVar:

NM_004656.4(BAP1):c.1007T>C (p.Val336Ala)

Gene: BAP1 (BRCA1 associated deubiquitinase 1; minus strand). Cytogenetic location: 3p21.1.
Variant type: single nucleotide variant.
Coding change: c.1007T>C on transcript NM_004656.4 (MANE Select); coding-DNA position 1007, T replaced by C.
Protein change: p.Val336Ala; replaces valine 336 with alanine.
Molecular consequence: missense variant.
Genome position (GRCh38, 1-based): chr3:52,405,219, A>G on the plus strand (T>C on the coding strand, the complement: BAP1 is on the minus strand). VCF-style: chr3-52405219-A-G. GRCh37 (hg19) VCF-style: chr3-52439235-A-G.
Other names: c.1007T>C (NM_004656.2); short protein forms V336A.
Identifiers: ClinVar variation 572289 (VCV000572289.7), dbSNP rs749108952, ClinGen allele CA2436940.

ClinVar aggregate classification (germline): Uncertain significance. Review status: criteria provided, multiple submitters, no conflicts (2 of 4 stars). 2 submissions from 2 submitters: Uncertain significance (2). Last evaluated 2024-08-29.

Conditions:
BAP1-related tumor predisposition syndrome (TPDS1). Also called: BAP1 tumor predisposition syndrome; Tumor susceptibility linked to germline BAP1 mutations; COMMON Syndrome; TUMOR PREDISPOSITION SYNDROME 1. Identifiers: Orphanet 289539, MedGen C3280492, MONDO:0013692, OMIM 614327.
Hereditary cancer-predisposing syndrome. Also called: Neoplastic Syndromes, Hereditary; Hereditary Cancer Syndrome; Tumor predisposition; Hereditary neoplastic syndrome. Identifiers: Orphanet 140162, MedGen C0027672, MeSH D009386, MONDO:0015356.

Allele frequency attached by ClinVar (database versions not stated): gnomAD below 0.00001 and 0.00001; gnomAD exomes below 0.00001; ExAC 0.00001.
gnomAD v4.1: 5 of 1,613,982 alleles (0.00031%); highest among the groups gnomAD compares: South Asian, 0.0055%; no homozygotes.

Submissions (2):

Labcorp Genetics (formerly Invitae), Labcorp
Classification: Uncertain significance for BAP1-related tumor predisposition syndrome. Last evaluated: 2024-08-29. Review status: criteria provided, single submitter. Criteria: Invitae Variant Classification Sherloc (09022015). Collection method: clinical testing. Allele origin: germline.
Comment: This sequence change replaces valine, which is neutral and non-polar, with alanine, which is neutral and non-polar, at codon 336 of the BAP1 protein (p.Val336Ala). This variant is present in population databases (rs749108952, gnomAD 0.003%). This variant has not been reported in the literature in individuals affected with BAP1-related conditions. ClinVar contains an entry for this variant (Variation ID: 572289). Invitae Evidence Modeling of protein sequence and biophysical properties (such as structural, functional, and spatial information, amino acid conservation, physicochemical variation, residue mobility, and thermodynamic stability) indicates that this missense variant is not expected to disrupt BAP1 protein function with a negative predictive value of 80%. In summary, the available evidence is currently insufficient to determine the role of this variant in disease. Therefore, it has been classified as a Variant of Uncertain Significance.

Ambry Genetics
Classification: Uncertain significance for Hereditary cancer-predisposing syndrome. Last evaluated: 2024-02-13. Review status: criteria provided, single submitter. Criteria: Ambry Variant Classification Scheme 2023. Collection method: clinical testing. Allele origin: germline.
Comment: The p.V336A variant (also known as c.1007T>C), located in coding exon 11 of the BAP1 gene, results from a T to C substitution at nucleotide position 1007. The valine at codon 336 is replaced by alanine, an amino acid with similar properties. This amino acid position is conserved. In addition, this alteration is predicted to be tolerated by in silico analysis. Based on the available evidence, the clinical significance of this alteration remains unclear.